The following is an entry in ClinVar:

NM_001351132.2(PEX5):c.1365C>A (p.Ser455Arg)

Gene: PEX5 (peroxisomal biogenesis factor 5; plus strand). Cytogenetic location: 12p13.31.
Variant type: single nucleotide variant.
Coding change: c.1365C>A on transcript NM_001351132.2 (MANE Select); coding-DNA position 1365, C replaced by A.
Protein change: p.Ser455Arg; replaces serine 455 with arginine.
Molecular consequence: missense variant.
Genome position (GRCh38, 1-based): chr12:7,208,640, C>A. VCF-style: chr12-7208640-C-A. GRCh37 (hg19) VCF-style: chr12-7361236-C-A.
Other names: c.1341C>A, p.Ser447Arg (NM_000319.5); c.1410C>A, p.Ser470Arg (NM_001131023.2); c.1254C>A, p.Ser418Arg (NM_001131024.2, NM_001351124.3, NM_001351126.2 and 7 more transcripts); c.1365C>A, p.Ser455Arg (NM_001131025.2, NM_001131026.2, NM_001300789.3 and 4 more transcripts); c.1299C>A, p.Ser433Arg (NM_001351135.3, NM_001351138.2); c.1356C>A, p.Ser452Arg (NM_001351136.2); c.1230C>A, p.Ser410Arg (NM_001351139.2, NM_001351140.2, NM_001374649.2); short protein forms S418R, S410R, S433R, S452R, S447R, S455R, S470R.
Identifiers: ClinVar variation 1470790 (VCV001470790.5), dbSNP rs1383386030, ClinGen allele CA383734004.
Genomic context (GRCh38, chr12:7,208,640, plus strand): 5'-CTATGCCCATCTGGTGACACCTGCTGAAGAAGGGGCTGGTGGGGCAGGACTGGGCCCCAG[C>A]AAGCGTATCCTGGGATCTCTCTTGTCTGAGTGAGTATGAGGGGTTCCTAGGATGAGGAAT-3'
Protein context (NP_001338061.1, residues 445-465): EGAGGAGLGP[Ser455Arg]KRILGSLLSD

ClinVar aggregate classification (germline): Uncertain significance (1 of 4 stars; one submission).

Conditions:
Peroxisome biogenesis disorder 2B (PBD2B). Identifiers: Orphanet 44, MedGen C3550234, MONDO:0008736, OMIM 202370.

Allele frequency attached by ClinVar (database versions not stated): gnomAD exomes 0.00001 and 0.00002.
gnomAD v4.1: 5 of 1,613,840 alleles (0.00031%); highest among the groups gnomAD compares: Admixed American, 0.0083%; no homozygotes.

Submission:

Labcorp Genetics (formerly Invitae), Labcorp
Classification: Uncertain significance for Peroxisome biogenesis disorder 2B. Last evaluated: 2022-08-19. Review status: criteria provided, single submitter. Criteria: Invitae Variant Classification Sherloc (09022015). Collection method: clinical testing. Allele origin: germline.
Comment: This sequence change replaces serine, which is neutral and polar, with arginine, which is basic and polar, at codon 455 of the PEX5 protein (p.Ser455Arg). This variant is present in population databases (no rsID available, gnomAD 0.01%). This variant has not been reported in the literature in individuals affected with PEX5-related conditions. ClinVar contains an entry for this variant (Variation ID: 1470790). Algorithms developed to predict the effect of missense changes on protein structure and function (SIFT, PolyPhen-2, Align-GVGD) all suggest that this variant is likely to be tolerated. In summary, the available evidence is currently insufficient to determine the role of this variant in disease. Therefore, it has been classified as a Variant of Uncertain Significance.